The following is an entry in ClinVar:

ClinVar aggregate classification (germline): Pathogenic. Review status: criteria provided, single submitter (1 of 4 stars). 2 submissions from 2 submitters: Pathogenic (1). 1 of the submissions does not count toward it. Last evaluated 2024-12-16.

Conditions:
Familial thoracic aortic aneurysm and aortic dissection (TAAD). Also called: Thoracic aortic aneurysms and dissections. Identifiers: Orphanet 91387, MedGen C4707243, MONDO:0019625.
Ehlers-Danlos syndrome, type 4 (EDSVASC). Also called: Ehlers-Danlos syndrome vascular type; Ehlers Danlos syndrome, ecchymotic type; Ehlers Danlos syndrome, arterial type; Ehlers Danlos syndrome, Sack-Barabas type; Ehlers-Danlos Syndrome Type IV. Identifiers: Orphanet 286, MedGen C0268338, MONDO:0017314, OMIM 130050.

Allele frequency attached by ClinVar (database versions not stated): gnomAD exomes below 0.00001.

Submissions (2):

Ambry Genetics
Classification: Pathogenic for Familial thoracic aortic aneurysm and aortic dissection. Last evaluated: 2024-12-16. Review status: criteria provided, single submitter. Criteria: Ambry Variant Classification Scheme 2023. Collection method: clinical testing. Allele origin: germline.
Comment: The c.3966delG pathogenic mutation, located in coding exon 49 of the COL3A1 gene, results from a deletion of one nucleotide at nucleotide position 3966, causing a translational frameshift with a predicted alternate stop codon (p.K1323Rfs*64). This variant was reported in individual(s) with features consistent with vascular Ehlers-Danlos syndrome (EDS) (Pepin MG et al. Genet Med, 2014 Dec;16:881-8; Shalhub S et al. J Vasc Surg, 2023 Aug;78:394-404). This variant is considered to be rare based on population cohorts in the Genome Aggregation Database (gnomAD). In addition to the clinical data presented in the literature, this alteration is expected to result in loss of function by premature protein truncation or nonsense-mediated mRNA decay. As such, this alteration is interpreted as a disease-causing mutation.

Collagen Diagnostic Laboratory, University of Washington
Classification: Pathogenic for Ehlers-Danlos syndrome, type 4. Review status: no assertion criteria provided. Collection method: clinical testing. Allele origin: germline. Affected: yes. Not counted in ClinVar's aggregate classification.

Literature cited by the submitters: PubMed 24922459 (cited by Ambry Genetics); PubMed 31126764 (cited by Ambry Genetics); PubMed 37068529 (cited by Ambry Genetics).

NM_000090.4(COL3A1):c.3966del (p.Lys1323fs)

Gene: COL3A1 (collagen type III alpha 1 chain; plus strand). Cytogenetic location: 2q32.2.
Variant type: Deletion.
Coding change: c.3966del on transcript NM_000090.4 (MANE Select); coding-DNA position 3966, one base deleted (G; older notation c.3966delG).
Protein change: p.Lys1323fs; shifts the reading frame from lysine 1323.
Molecular consequence: frameshift variant.
Genome position (GRCh38, 1-based): chr2:189,010,320, G deleted. VCF-style (leftmost placement, unchanged base first): chr2-189010319-AG-A. GRCh37 (hg19) VCF-style: chr2-189875045-AG-A.
Other names: c.3966delG (NM_000090.3); short protein forms K1323fs.
Identifiers: ClinVar variation 101186 (VCV000101186.3), dbSNP rs587779490, ClinGen allele CA006770.